The following is an entry in ClinVar:

ClinVar aggregate classification (germline): Uncertain significance (1 of 4 stars; one submission).

Conditions:
RASopathy. Also called: rasopathies; Noonan spectrum disorder. Identifiers: Orphanet 536391, MedGen C5555857, MONDO:0021060.

Submission:

Labcorp Genetics (formerly Invitae), Labcorp
Classification: Uncertain significance for RASopathy. Last evaluated: 2017-03-11. Review status: criteria provided, single submitter. Criteria: Invitae Variant Classification Sherloc (09022015). Collection method: clinical testing. Allele origin: germline.
Comment: This sequence change replaces alanine with proline at codon 75 of the PTPN11 protein (p.Ala75Pro). The alanine residue is moderately conserved and there is a small physicochemical difference between alanine and proline. This variant is not present in population databases (ExAC no frequency) and has not been reported in the literature in individuals with a PTPN11-related disease. Algorithms developed to predict the effect of missense changes on protein structure and function do not agree on the potential impact of this missense change (SIFT: "Deleterious"; PolyPhen-2: "Probably Damaging"; Align-GVGD: "Class C0"). In summary, this variant is a novel missense change with uncertain impact on protein function. It has been classified as a Variant of Uncertain Significance.

NM_002834.5(PTPN11):c.223G>C (p.Ala75Pro)

Gene: PTPN11 (protein tyrosine phosphatase non-receptor type 11; plus strand). Cytogenetic location: 12q24.13.
Variant type: single nucleotide variant.
Coding change: c.223G>C on transcript NM_002834.5 (MANE Select); coding-DNA position 223, G replaced by C.
Protein change: p.Ala75Pro; replaces alanine 75 with proline.
Molecular consequence: missense variant.
Genome position (GRCh38, 1-based): chr12:112,450,403, G>C. VCF-style: chr12-112450403-G-C. GRCh37 (hg19) VCF-style: chr12-112888207-G-C.
Other names: c.223G>C, p.Ala75Pro (NM_001330437.2, NM_080601.3); c.220G>C, p.Ala74Pro (NM_001374625.1); short protein forms A75P, A74P.
Identifiers: ClinVar variation 477671 (VCV000477671.1), dbSNP rs1555267561, ClinGen allele CA386777884.